The following is an entry in ClinVar:

ClinVar aggregate classification (germline): Pathogenic (1 of 4 stars; one submission).

Submission:

Labcorp Genetics (formerly Invitae), Labcorp
Classification: Pathogenic. Last evaluated: 2025-10-02. Review status: criteria provided, single submitter. Criteria: Invitae Variant Classification Sherloc (09022015). Collection method: clinical testing. Allele origin: germline.
Comment: This sequence change creates a premature translational stop signal (p.Leu446*) in the P3H2 gene. It is expected to result in an absent or disrupted protein product. Loss-of-function variants in P3H2 are known to be pathogenic (PMID: 24172257, 25469533). This variant is not present in population databases (gnomAD no frequency). This variant has not been reported in the literature in individuals affected with P3H2-related conditions. For these reasons, this variant has been classified as Pathogenic.

Literature cited by the submitters: PubMed 24172257; PubMed 25469533.

NM_018192.4(P3H2):c.1336_1340del (p.Leu445_Leu446insTer)

Gene: P3H2 (prolyl 3-hydroxylase 2; minus strand). Cytogenetic location: 3q28.
Variant type: Microsatellite.
Coding change: c.1336_1340del on transcript NM_018192.4 (MANE Select); coding-DNA positions 1336 to 1340, 5 bases deleted (CTCTA; older notation c.1336_1340delCTCTA).
Protein change: p.Leu445_Leu446insTer.
Molecular consequence: nonsense.
Genome position (GRCh38, 1-based): chr3:189,974,670-189,974,674, TAGAG deleted on the plus strand (CTCTA on the coding strand, the reverse complement: P3H2 is on the minus strand); deleting any 5 consecutive bases within chr3:189,974,670-189,974,679 gives the same sequence; the c. name uses the placement nearest the transcript's 3' end. VCF-style (leftmost placement, unchanged base first): chr3-189974669-ATAGAG-A. GRCh37 (hg19) VCF-style: chr3-189692458-ATAGAG-A.
Other names: c.793_797del, p.Leu264_Leu265insTer (NM_001134418.2).
Identifiers: ClinVar variation 1452794 (VCV001452794.6), dbSNP rs2108910327, ClinGen allele CA2580616028.
Genomic context (GRCh38, chr3:189,974,669, plus strand): 5'-CAGGAGAACCCGCTGAGTCCCGTTCAGCTGCTCCGAGTTGTAGACGAATGTGATGTTCTC[ATAGAG>A]TAGAGGACCACCTACAGGAACAGAGCACATTGTCTTCCCTGTTACCTCTGTCCCCCGAAA-3'